The following is an entry in ClinVar:

NM_000275.3(OCA2):c.2353_2356del (p.Ile785fs)

Gene: OCA2 (OCA2 melanosomal transmembrane protein; minus strand). Cytogenetic location: 15q13.1.
Variant type: Deletion.
Coding change: c.2353_2356del on transcript NM_000275.3 (MANE Select); coding-DNA positions 2353 to 2356, 4 bases deleted (ATTG; older notation c.2353_2356delATTG).
Protein change: p.Ile785fs; shifts the reading frame from isoleucine 785.
Molecular consequence: frameshift variant.
Genome position (GRCh38, 1-based): chr15:27,845,035-27,845,038, CAAT deleted on the plus strand (ATTG on the coding strand, the reverse complement: OCA2 is on the minus strand); deleting any 4 consecutive bases within chr15:27,845,035-27,845,040 gives the same sequence; the c. name uses the placement nearest the transcript's 3' end. VCF-style (leftmost placement, unchanged base first): chr15-27845034-CCAAT-C. GRCh37 (hg19) VCF-style: chr15-28090180-CCAAT-C.
Other names: c.2281_2284del, p.Ile761fs (NM_001300984.2); short protein forms I761fs, I785fs.
Identifiers: ClinVar variation 1454562 (VCV001454562.8), dbSNP rs781001810, ClinGen allele CA7438601.
Genomic context (GRCh38, chr15:27,845,034, plus strand): 5'-AAGGAGAACCCATATCCATGCTGTTCTGCAATCCCTGCACACACGACGTTTGCCGACGCG[CCAAT>C]CAGTGTCCCGTTACCTAAAGTCAAAATTTAAAAACAAAATCCCAGTTCATCTTGGTGGTA-3'

ClinVar aggregate classification (germline): Pathogenic (1 of 4 stars; one submission).

Submission:

Labcorp Genetics (formerly Invitae), Labcorp
Classification: Pathogenic. Last evaluated: 2024-08-31. Review status: criteria provided, single submitter. Criteria: Invitae Variant Classification Sherloc (09022015). Collection method: clinical testing. Allele origin: germline.
Comment: This sequence change creates a premature translational stop signal (p.Ile785Alafs*31) in the OCA2 gene. While this is not anticipated to result in nonsense mediated decay, it is expected to disrupt the last 54 amino acid(s) of the OCA2 protein. This variant is present in population databases (rs781001810, gnomAD 0.006%). This variant has not been reported in the literature in individuals affected with OCA2-related conditions. ClinVar contains an entry for this variant (Variation ID: 1454562). This variant disrupts a region of the OCA2 protein in which other variant(s) (p.Tyr827*) have been determined to be pathogenic (PMID: 29345414). This suggests that this is a clinically significant region of the protein, and that variants that disrupt it are likely to be disease-causing. For these reasons, this variant has been classified as Pathogenic.

Literature cited by the submitters: PubMed 29345414.